The following is an entry in ClinVar:

NM_024675.4(PALB2):c.3367G>C (p.Val1123Leu)

Gene: PALB2 (partner and localizer of BRCA2; minus strand). Cytogenetic location: 16p12.2.
Variant type: single nucleotide variant.
Coding change: c.3367G>C on transcript NM_024675.4 (MANE Select); coding-DNA position 3367, G replaced by C.
Protein change: p.Val1123Leu; replaces valine 1123 with leucine.
Molecular consequence: missense variant.
Genome position (GRCh38, 1-based): chr16:23,603,653, C>G on the plus strand (G>C on the coding strand, the complement: PALB2 is on the minus strand). VCF-style: chr16-23603653-C-G. GRCh37 (hg19) VCF-style: chr16-23614974-C-G.
Other names: short protein forms V1123L.
Identifiers: ClinVar variation 1337182 (VCV001337182.11), dbSNP rs757118000, ClinGen allele CA7963350.

ClinVar aggregate classification (germline): Uncertain significance. Review status: criteria provided, multiple submitters, no conflicts (2 of 4 stars). 3 submissions from 3 submitters: Uncertain significance (3). Last evaluated 2026-01-10.

Conditions:
Hereditary cancer-predisposing syndrome. Also called: Tumor predisposition; Hereditary Cancer Syndrome; Neoplastic Syndromes, Hereditary; Hereditary neoplastic syndrome. Identifiers: Orphanet 140162, MedGen C0027672, MeSH D009386, MONDO:0015356.
Familial cancer of breast. Also called: BREAST CANCER, FAMILIAL; hereditary breast carcinoma; Hereditary breast cancer. Identifiers: Orphanet 227535, MedGen C0346153, MONDO:0016419, OMIM 114480. Disease mechanism: loss of function.

Allele frequency attached by ClinVar (database versions not stated): ExAC 0.00002.
gnomAD v4.1: 5 of 1,613,288 alleles (0.00031%); highest among the groups gnomAD compares: Admixed American, 0.0084%; no homozygotes.

Submissions (3):

Labcorp Genetics (formerly Invitae), Labcorp
Classification: Uncertain significance for Familial cancer of breast. Last evaluated: 2026-01-10. Review status: criteria provided, single submitter. Criteria: Invitae Variant Classification Sherloc (09022015). Collection method: clinical testing. Allele origin: germline.
Comment: This sequence change replaces valine, which is neutral and non-polar, with leucine, which is neutral and non-polar, at codon 1123 of the PALB2 protein (p.Val1123Leu). This variant is present in population databases (rs757118000, gnomAD 0.01%). This variant has not been reported in the literature in individuals affected with PALB2-related conditions. ClinVar contains an entry for this variant (Variation ID: 1337182). An algorithm developed to predict the effect of missense changes on protein structure and function (PolyPhen-2) suggests that this variant is likely to be disruptive. In summary, the available evidence is currently insufficient to determine the role of this variant in disease. Therefore, it has been classified as a Variant of Uncertain Significance.

Ambry Genetics
Classification: Uncertain significance for Hereditary cancer-predisposing syndrome. Last evaluated: 2022-12-13. Review status: criteria provided, single submitter. Criteria: Ambry Variant Classification Scheme 2023. Collection method: clinical testing. Allele origin: germline.
Comment: The p.V1123L variant (also known as c.3367G>C), located in coding exon 13 of the PALB2 gene, results from a G to C substitution at nucleotide position 3367. The valine at codon 1123 is replaced by leucine, an amino acid with highly similar properties. This amino acid position is highly conserved in available vertebrate species. In addition, this alteration is predicted to be tolerated by in silico analysis. Since supporting evidence is limited at this time, the clinical significance of this alteration remains unclear.

Genetic Services Laboratory, University of Chicago
Classification: Uncertain significance. Last evaluated: 2019-06-06. Review status: criteria provided, single submitter. Criteria: ACMG Guidelines, 2015. Collection method: clinical testing. Allele origin: germline. Affected: no.